The following is an entry in ClinVar:

NM_177438.3(DICER1):c.4212A>G (p.Lys1404=)

Gene: DICER1 (dicer 1, ribonuclease III; minus strand). Cytogenetic location: 14q32.13.
Variant type: single nucleotide variant.
Coding change: c.4212A>G on transcript NM_177438.3 (MANE Select); coding-DNA position 4212, A replaced by G.
Protein change: p.Lys1404=; no amino-acid change (lysine 1404 retained).
Molecular consequence: synonymous variant.
Genome position (GRCh38, 1-based): chr14:95,096,708, T>C on the plus strand (A>G on the coding strand, the complement: DICER1 is on the minus strand). VCF-style: chr14-95096708-T-C. GRCh37 (hg19) VCF-style: chr14-95563045-T-C.
Other names: c.4212A>G, p.Lys1404= (NM_001195573.1, NM_001271282.3, NM_001291628.2 and 1 more transcripts).
Identifiers: ClinVar variation 477192 (VCV000477192.15), dbSNP rs1555367926, ClinGen allele CA487844387.
Genomic context (GRCh38, chr14:95,096,708, plus strand): 5'-CTCCTCCTCATCCTCCTCCTCGTAATCCTCATCCAGTTTGCCATTCGCCAGCATGCAGTC[T>C]TTTGTCTGAAACGAGGGGGAATGGGGAAGGAGGGGAAACATAGCTGCTGTTTTTAAAAGG-3'
Protein context (NP_803187.1, residues 1394-1414): TDKWEKDEMT[Lys1404=]DCMLANGKLD

ClinVar aggregate classification (germline): Benign/Likely benign. Review status: criteria provided, multiple submitters, no conflicts (2 of 4 stars). 3 submissions from 3 submitters: Benign (1); Likely benign (2). Last evaluated 2026-04-17.

Conditions:
DICER1-related tumor predisposition. Also called: DICER1-related pleuropulmonary blastoma cancer predisposition syndrome; DICER1 syndrome. Identifiers: Orphanet 284343, MedGen C3839822, MONDO:0100216.
Hereditary cancer-predisposing syndrome. Also called: Hereditary neoplastic syndrome; Neoplastic Syndromes, Hereditary; Hereditary Cancer Syndrome; Tumor predisposition. Identifiers: Orphanet 140162, MedGen C0027672, MeSH D009386, MONDO:0015356.

Submissions (3):

Myriad Genetics, Inc.
Classification: Benign for DICER1-related tumor predisposition. Last evaluated: 2026-04-17. Review status: criteria provided, single submitter. Criteria: Myriad Autosomal Dominant, Autosomal Recessive and X-Linked Classification Criteria (2023). Collection method: clinical testing. Allele origin: unknown.
Comment: This variant is considered benign. This variant is a silent/synonymous amino acid change and it is not expected to impact splicing.

Labcorp Genetics (formerly Invitae), Labcorp
Classification: Likely benign for DICER1-related tumor predisposition. Last evaluated: 2022-09-01. Review status: criteria provided, single submitter. Criteria: Invitae Variant Classification Sherloc (09022015). Collection method: clinical testing. Allele origin: germline.

Ambry Genetics
Classification: Likely benign for Hereditary cancer-predisposing syndrome. Last evaluated: 2022-03-02. Review status: criteria provided, single submitter. Criteria: Ambry Variant Classification Scheme 2023. Collection method: clinical testing. Allele origin: germline.